The following is an entry in ClinVar:

NM_181552.4(CUX1):c.4118C>A (p.Thr1373Lys)

Gene: CUX1 (cut like homeobox 1; plus strand). Cytogenetic location: 7q22.1.
Variant type: single nucleotide variant.
Coding change: c.4118C>A on transcript NM_181552.4 (MANE Select); coding-DNA position 4118, C replaced by A.
Protein change: p.Thr1373Lys; replaces threonine 1373 with lysine.
Molecular consequence: missense variant. On other transcripts: intron variant (5).
Genome position (GRCh38, 1-based): chr7:102,248,642, C>A. VCF-style: chr7-102248642-C-A. GRCh37 (hg19) VCF-style: chr7-101891922-C-A.
Other names: c.4151C>A, p.Thr1384Lys (NM_001202543.2); c.1256-24724C>A (NM_001913.5); c.1250-24724C>A (NM_181500.4); c.1118-24724C>A (NM_001202545.3); c.1208-24724C>A (NM_001202544.3); c.1139-24724C>A (NM_001202546.3); short protein forms T1373K, T1384K.
Identifiers: ClinVar variation 4995887 (VCV004995887.1).
Genomic context (GRCh38, chr7:102,248,642, plus strand): 5'-AGGAGCCCAAGTCTCAGGGAGAGGCCGAGCGGGAGGAGGTGCCGCGGCCGGCGGAGCAGA[C>A]GGAGCCGCCGCCCTCGGGGACCCCGGGCCCGGACGACGCCCGCGACGACGACCACGAGGG-3'
Protein context (NP_853530.2, residues 1363-1383): REEVPRPAEQ[Thr1373Lys]EPPPSGTPGP

ClinVar aggregate classification (germline): Uncertain significance (1 of 4 stars; one submission).

Conditions:
CUX1-related disorder. Also called: CUX1-related condition.

Submission:

PreventionGenetics, part of Exact Sciences
Classification: Uncertain significance for CUX1-related condition. Last evaluated: 2025-09-19. Review status: criteria provided, single submitter. Criteria: ACMG Guidelines, 2015. Collection method: clinical testing. Allele origin: germline.
Comment: The CUX1 c.4151C>A variant is predicted to result in the amino acid substitution p.Thr1384Lys. To our knowledge, this variant has not been reported in the literature or in a large population database (gnomAD), indicating this variant is rare. At this time, the clinical significance of this variant is uncertain due to the absence of conclusive functional and genetic evidence.